The following is an entry in ClinVar:

ClinVar aggregate classification (germline): Uncertain significance (1 of 4 stars; one submission).

Conditions:
Hereditary cancer-predisposing syndrome. Also called: Neoplastic Syndromes, Hereditary; Tumor predisposition; Hereditary Cancer Syndrome; Hereditary neoplastic syndrome. Identifiers: Orphanet 140162, MedGen C0027672, MeSH D009386, MONDO:0015356.

Submission:

Ambry Genetics
Classification: Uncertain significance for Hereditary cancer-predisposing syndrome. Last evaluated: 2025-06-18. Review status: criteria provided, single submitter. Criteria: Ambry Variant Classification Scheme 2023. Collection method: clinical testing. Allele origin: germline.
Comment: The p.L255F variant (also known as c.765A>T), located in coding exon 3 of the XRCC2 gene, results from an A to T substitution at nucleotide position 765. The leucine at codon 255 is replaced by phenylalanine, an amino acid with highly similar properties. This amino acid position is conserved. In addition, this alteration is predicted to be tolerated by in silico analysis. Based on the available evidence, the clinical significance of this variant remains unclear.

NM_005431.2(XRCC2):c.765A>T (p.Leu255Phe)

Gene: XRCC2 (X-ray repair cross complementing 2; minus strand). Cytogenetic location: 7q36.1.
Variant type: single nucleotide variant.
Coding change: c.765A>T on transcript NM_005431.2 (MANE Select); coding-DNA position 765, A replaced by T.
Protein change: p.Leu255Phe; replaces leucine 255 with phenylalanine.
Molecular consequence: missense variant.
Genome position (GRCh38, 1-based): chr7:152,648,720, T>A on the plus strand (A>T on the coding strand, the complement: XRCC2 is on the minus strand). VCF-style: chr7-152648720-T-A. GRCh37 (hg19) VCF-style: chr7-152345805-T-A.
Other names: short protein forms L255F.
Identifiers: ClinVar variation 4202855 (VCV004202855.1).